The following is an entry in ClinVar:

ClinVar aggregate classification (germline): Uncertain significance (1 of 4 stars; one submission).

Submission:

GeneDx
Classification: Uncertain significance. Last evaluated: 2020-02-04. Review status: criteria provided, single submitter. Criteria: GeneDx Variant Classification Process June 2021. Collection method: clinical testing. Allele origin: germline. Affected: yes.
Comment: Has not been previously published as pathogenic or benign to our knowledge; Not observed in large population cohorts (Lek et al., 2016); In-silico analysis, which includes splice predictors and evolutionary conservation, is inconclusive as to whether the variant alters gene splicing; in the absence of RNA/functional studies, the actual effect of this sequence change is unknown; This variant is associated with the following publications: (PMID: 32194622)

NM_004006.3(DMD):c.4299G>T (p.Gly1433=)

Gene: DMD (dystrophin; minus strand). Cytogenetic location: Xp21.1.
Variant type: single nucleotide variant.
Coding change: c.4299G>T on transcript NM_004006.3 (MANE Select); coding-DNA position 4299, G replaced by T.
Protein change: p.Gly1433=; no amino-acid change (glycine 1433 retained).
Molecular consequence: synonymous variant.
Genome position (GRCh38, 1-based): chrX:32,390,116, C>A on the plus strand (G>T on the coding strand, the complement: DMD is on the minus strand). VCF-style: chrX-32390116-C-A. GRCh37 (hg19) VCF-style: chrX-32408233-C-A.
Other names: c.4275G>T, p.Gly1425= (NM_000109.4); c.4287G>T, p.Gly1429= (NM_004009.3); c.3930G>T, p.Gly1310= (NM_004010.3); c.276G>T, p.Gly92= (NM_004011.4); c.267G>T, p.Gly89= (NM_004012.4).
Identifiers: ClinVar variation 1315126 (VCV001315126.2), dbSNP rs1174990294, ClinGen allele CA515715360.